The following is an entry in ClinVar:

NM_006231.4(POLE):c.1143G>A (p.Leu381=)

Gene: POLE (DNA polymerase epsilon, catalytic subunit; minus strand). Cytogenetic location: 12q24.33.
Variant type: single nucleotide variant.
Coding change: c.1143G>A on transcript NM_006231.4 (MANE Select); coding-DNA position 1143, G replaced by A.
Protein change: p.Leu381=; no amino-acid change (leucine 381 retained).
Molecular consequence: synonymous variant.
Genome position (GRCh38, 1-based): chr12:132,675,481, C>T on the plus strand (G>A on the coding strand, the complement: POLE is on the minus strand). VCF-style: chr12-132675481-C-T. GRCh37 (hg19) VCF-style: chr12-133252067-C-T.
Identifiers: ClinVar variation 473439 (VCV000473439.16), dbSNP rs1555229118, ClinGen allele CA482849708.

ClinVar aggregate classification (germline): Benign/Likely benign. Review status: criteria provided, multiple submitters, no conflicts (2 of 4 stars). 3 submissions from 3 submitters: Benign (1); Likely benign (2). Last evaluated 2025-12-07.

Conditions:
Colorectal cancer, susceptibility to, 12 (CRCS12). Also called: COLORECTAL CANCER, SUSCEPTIBILITY TO, ON CHROMOSOME 12q24. Identifiers: Orphanet 220460, MedGen C3554460, MONDO:0014038, OMIM 615083.
Hereditary cancer-predisposing syndrome. Also called: Neoplastic Syndromes, Hereditary; Tumor predisposition; Hereditary Cancer Syndrome; Hereditary neoplastic syndrome. Identifiers: Orphanet 140162, MedGen C0027672, MeSH D009386, MONDO:0015356.

Submissions (3):

Labcorp Genetics (formerly Invitae), Labcorp
Classification: Likely benign. Last evaluated: 2025-12-07. Review status: criteria provided, single submitter. Criteria: Invitae Variant Classification Sherloc (09022015). Collection method: clinical testing. Allele origin: germline.

Myriad Genetics, Inc.
Classification: Benign for Colorectal cancer, susceptibility to, 12. Last evaluated: 2025-02-10. Review status: criteria provided, single submitter. Criteria: Myriad Autosomal Dominant, Autosomal Recessive and X-Linked Classification Criteria (2023). Collection method: clinical testing. Allele origin: unknown.
Comment: This variant is considered benign. This variant is a silent/synonymous amino acid change and it is not expected to impact splicing.

Ambry Genetics
Classification: Likely benign for Hereditary cancer-predisposing syndrome. Last evaluated: 2019-03-31. Review status: criteria provided, single submitter. Criteria: Ambry Variant Classification Scheme 2023. Collection method: clinical testing. Allele origin: germline.